The following is an entry in ClinVar:

ClinVar aggregate classification (germline): Pathogenic (1 of 4 stars; one submission).

Submission:

Labcorp Genetics (formerly Invitae), Labcorp
Classification: Pathogenic. Last evaluated: 2024-03-09. Review status: criteria provided, single submitter. Criteria: Invitae Variant Classification Sherloc (09022015). Collection method: clinical testing. Allele origin: germline.
Comment: This sequence change creates a premature translational stop signal (p.Gly100Alafs*104) in the P3H2 gene. It is expected to result in an absent or disrupted protein product. Loss-of-function variants in P3H2 are known to be pathogenic (PMID: 24172257, 25469533). This variant is not present in population databases (gnomAD no frequency). This premature translational stop signal has been observed in individual(s) with P3H2-related conditions (PMID: 25469533). It has also been observed to segregate with disease in related individuals. For these reasons, this variant has been classified as Pathogenic.

Literature cited by the submitters: PubMed 24172257; PubMed 25469533.

NM_018192.4(P3H2):c.291del (p.Gly100fs)

Genes: P3H2 (prolyl 3-hydroxylase 2; minus strand), LOC129938149 (ATAC-STARR-seq lymphoblastoid silent region 14999; plus strand). Cytogenetic location: 3q28.
Variant type: Deletion.
Coding change: c.291del on transcript NM_018192.4 (MANE Select); coding-DNA position 291, one base deleted (G; older notation c.291delG).
Protein change: p.Gly100fs; shifts the reading frame from glycine 100.
Molecular consequence: frameshift variant. On other transcripts: intron variant (1).
Genome position (GRCh38, 1-based): chr3:190,120,441, C deleted on the plus strand (G on the coding strand, the reverse complement: P3H2 is on the minus strand). VCF-style (leftmost placement, unchanged base first): chr3-190120440-GC-G. GRCh37 (hg19) VCF-style: chr3-189838229-GC-G.
Other names: c.-64+1762del (NM_001134418.2); short protein forms G100fs.
Identifiers: ClinVar variation 2876753 (VCV002876753.3), dbSNP rs2473982076, ClinGen allele CA2577990566.